The following is an entry in ClinVar:

ClinVar aggregate classification (germline): Conflicting classifications of pathogenicity. Review status: criteria provided, conflicting classifications (1 of 4 stars). 7 submissions from 7 submitters: Uncertain significance (5); Likely benign (2). Last evaluated 2026-03-24.

Conditions:
Inborn genetic diseases. Identifiers: MedGen C0950123, MeSH D030342.
Spastic paraplegia. Identifiers: MedGen C0037772, HP:0001258.

Allele frequency attached by ClinVar (database versions not stated): ExAC 0.00007; gnomAD exomes 0.00014; 1000 Genomes Project 30x 0.00016; gnomAD 0.00041 and 0.00042; TOPMed 0.00048; ESP Exome Variant Server 0.00054.
gnomAD v4.1: 134 of 1,614,152 alleles (0.0083%); highest among the groups gnomAD compares: African/African-American, 0.16%; no homozygotes.

Submissions (7):

Women's Health and Genetics/Laboratory Corporation of America, LabCorp
Classification: Uncertain significance. Last evaluated: 2026-03-24. Review status: criteria provided, single submitter. Criteria: LabCorp Variant Classification Summary - May 2015. Collection method: clinical testing. Allele origin: germline.
Comment: Variant summary: ZFYVE26 c.6448C>T (p.Pro2150Ser) results in a non-conservative amino acid change in the encoded protein sequence. Algorithms developed to predict the effect of missense changes on protein structure and function are either unavailable or do not agree on the potential impact of this missense change. The variant allele was found at a frequency of 0.00014 in 251230 control chromosomes. This frequency is not significantly higher than estimated for disease-causing variants in ZFYVE26, allowing no conclusion about variant significance. To our knowledge, no occurrence of c.6448C>T in individuals affected with ZFYVE26-related conditions and no experimental evidence demonstrating its impact on protein function have been reported. ClinVar contains an entry for this variant (Variation ID: 458291). Based on the evidence outlined above, the variant was classified as uncertain significance.

Mayo Clinic Laboratories, Mayo Clinic
Classification: Likely benign. Last evaluated: 2025-11-01. Review status: criteria provided, single submitter. Criteria: ACMG Guidelines, 2015. Collection method: clinical testing. Allele origin: germline. Observed: 1 variant allele.
Comment: BS1, BP4

GeneDx
Classification: Uncertain significance. Last evaluated: 2024-03-10. Review status: criteria provided, single submitter. Criteria: GeneDx Variant Classification Process June 2021. Collection method: clinical testing. Allele origin: germline.
Comment: In silico analysis supports that this missense variant does not alter protein structure/function; Has not been previously published as pathogenic or benign to our knowledge

Ambry Genetics
Classification: Likely benign for Inborn genetic diseases. Last evaluated: 2022-11-21. Review status: criteria provided, single submitter. Criteria: Ambry Variant Classification Scheme 2023. Collection method: clinical testing. Allele origin: germline.

Labcorp Genetics (formerly Invitae), Labcorp
Classification: Uncertain significance for Spastic paraplegia. Last evaluated: 2022-07-25. Review status: criteria provided, single submitter. Criteria: Invitae Variant Classification Sherloc (09022015). Collection method: clinical testing. Allele origin: germline.
Comment: This sequence change replaces proline, which is neutral and non-polar, with serine, which is neutral and polar, at codon 2150 of the ZFYVE26 protein (p.Pro2150Ser). This variant is present in population databases (rs138423670, gnomAD 0.2%). This variant has not been reported in the literature in individuals affected with ZFYVE26-related conditions. ClinVar contains an entry for this variant (Variation ID: 458291). Algorithms developed to predict the effect of missense changes on protein structure and function (SIFT, PolyPhen-2, Align-GVGD) all suggest that this variant is likely to be tolerated. In summary, the available evidence is currently insufficient to determine the role of this variant in disease. Therefore, it has been classified as a Variant of Uncertain Significance.

Athena Diagnostics
Classification: Uncertain significance. Last evaluated: 2021-09-13. Review status: criteria provided, single submitter. Criteria: Athena Diagnostics Criteria. Collection method: clinical testing. Allele origin: unknown.

Blueprint Genetics
Classification: Uncertain significance. Last evaluated: 2019-10-24. Review status: criteria provided, single submitter. Criteria: ACMG Guidelines, 2015. Collection method: clinical testing. Allele origin: germline.

NM_015346.4(ZFYVE26):c.6448C>T (p.Pro2150Ser)

Gene: ZFYVE26 (zinc finger FYVE-type containing 26; minus strand). Cytogenetic location: 14q24.1.
Variant type: single nucleotide variant.
Coding change: c.6448C>T on transcript NM_015346.4 (MANE Select); coding-DNA position 6448, C replaced by T.
Protein change: p.Pro2150Ser; replaces proline 2150 with serine.
Molecular consequence: missense variant.
Genome position (GRCh38, 1-based): chr14:67,761,506, G>A on the plus strand (C>T on the coding strand, the complement: ZFYVE26 is on the minus strand). VCF-style: chr14-67761506-G-A. GRCh37 (hg19) VCF-style: chr14-68228223-G-A.
Other names: p.Pro2150Ser; short protein forms P2150S.
Identifiers: ClinVar variation 458291 (VCV000458291.11), dbSNP rs138423670, ClinGen allele CA7239221.
Genomic context (GRCh38, chr14:67,761,506, plus strand): 5'-AGTTGTGCAGGTAGAAGAGGCATTCCTGGTAGTAGGTGTTGTTCATGATTTTCCCTTCAG[G>A]AATCACTGCCAGAGAAAGGCTCTGCGTCCGAAGGGTAGCTTCCAGTTCCCTCAGGGTGGC-3'
Protein context (NP_056161.2, residues 2140-2160): RTQSLSLAVI[Pro2150Ser]EGKIMNNTYY